The following is an entry in ClinVar:

NM_005591.4(MRE11):c.402+1G>A

Gene: MRE11 (MRE11 double strand break repair nuclease; minus strand). Cytogenetic location: 11q21.
Variant type: single nucleotide variant.
Coding change: c.402+1G>A on transcript NM_005591.4 (MANE Select); the canonical splice donor site of the intron after coding-DNA position 402, G replaced by A.
Molecular consequence: splice donor variant.
Genome position (GRCh38, 1-based): chr11:94,479,673, C>T on the plus strand (G>A on the coding strand, the complement: MRE11 is on the minus strand). VCF-style: chr11-94479673-C-T. GRCh37 (hg19) VCF-style: chr11-94212839-C-T.
Other names: c.402+1G>A (NM_001330347.2, NM_005590.4).
Identifiers: ClinVar variation 824512 (VCV000824512.12), dbSNP rs929767929, ClinGen allele CA226537850.
Genomic context (GRCh38, chr11:94,479,673, plus strand): 5'-ACAGACAAACTAAACTGATCATTTCCAAAATTCCAACAAACTCTAAGAAAACAATAATTA[C>T]CCCTGTGGGATCGTCATGATTGCCATGAATACTAAACACTGGAATTGAAATGTTGAGGTT-3'

ClinVar aggregate classification (germline): Likely pathogenic. Review status: criteria provided, multiple submitters, no conflicts (2 of 4 stars). 3 submissions from 3 submitters: Likely pathogenic (3). Last evaluated 2025-08-07.

Conditions:
Ataxia-telangiectasia-like disorder (ATLD). Identifiers: MedGen C1858391, MONDO:0011457.
Hereditary cancer-predisposing syndrome. Also called: Neoplastic Syndromes, Hereditary; Tumor predisposition; Hereditary neoplastic syndrome; Hereditary Cancer Syndrome. Identifiers: Orphanet 140162, MedGen C0027672, MeSH D009386, MONDO:0015356.
Ataxia-telangiectasia-like disorder 1 (ATLD1). Identifiers: Orphanet 251347, MedGen C4012790, MONDO:0024557, OMIM 604391.

Allele frequency attached by ClinVar (database versions not stated): gnomAD exomes below 0.00001; gnomAD 0.00001 and 0.00002; TOPMed 0.00002.
gnomAD v4.1: 4 of 1,610,306 alleles (0.00025%); highest among the groups gnomAD compares: African/African-American, 0.0027%; no homozygotes.

Submissions (3):

Labcorp Genetics (formerly Invitae), Labcorp
Classification: Likely pathogenic for Ataxia-telangiectasia-like disorder. Last evaluated: 2025-08-07. Review status: criteria provided, single submitter. Criteria: Invitae Variant Classification Sherloc (09022015). Collection method: clinical testing. Allele origin: germline.
Comment: This sequence change affects a donor splice site in intron 5 of the MRE11 gene. It is expected to disrupt RNA splicing. Variants that disrupt the donor or acceptor splice site typically lead to a loss of protein function (PMID: 16199547), and loss-of-function variants in MRE11 are known to be pathogenic (PMID: 23080121, 23912341). This variant is present in population databases (no rsID available, gnomAD 0.005%). This variant has not been reported in the literature in individuals affected with MRE11-related conditions. ClinVar contains an entry for this variant (Variation ID: 824512). Algorithms developed to predict the effect of sequence changes on RNA splicing suggest that this variant may disrupt the consensus splice site. In summary, the currently available evidence indicates that the variant is pathogenic, but additional data are needed to prove that conclusively. Therefore, this variant has been classified as Likely Pathogenic.

Baylor Genetics
Classification: Likely pathogenic for Ataxia-telangiectasia-like disorder 1. Last evaluated: 2024-01-18. Review status: criteria provided, single submitter. Criteria: ACMG Guidelines, 2015. Collection method: clinical testing. Allele origin: unknown.

Ambry Genetics
Classification: Likely pathogenic for Hereditary cancer-predisposing syndrome. Last evaluated: 2018-11-27. Review status: criteria provided, single submitter. Criteria: Ambry Variant Classification Scheme 2023. Collection method: clinical testing. Allele origin: germline.
Comment: The c.402+1G>A intronic variant results from a G to A substitution one nucleotide after coding exon 4 of the MRE11A gene. This nucleotide position is highly conserved in available vertebrate species. Using the BDGP and ESEfinder splice site prediction tools, this alteration is predicted to abolish the native splice donor site; however, direct evidence is unavailable. Alterations that disrupt the canonical splice site are expected to cause aberrant splicing, resulting in an abnormal protein or a transcript that is subject to nonsense-mediated mRNA decay. As such, this alteration is classified as likely pathogenic.

Literature cited by the submitters: PubMed 16199547 (cited by Labcorp Genetics (formerly Invitae), Labcorp); PubMed 23080121 (cited by Labcorp Genetics (formerly Invitae), Labcorp); PubMed 23912341 (cited by Labcorp Genetics (formerly Invitae), Labcorp).